The following is an entry in ClinVar:

ClinVar aggregate classification (germline): Uncertain significance (1 of 4 stars; one submission).

Allele frequency attached by ClinVar (database versions not stated): gnomAD 0.00001; gnomAD exomes 0.00001.
gnomAD v4.1: 17 of 1,613,726 alleles (0.0011%); highest among the groups gnomAD compares: Non-Finnish European, 0.0014%; no homozygotes.

Submission:

Labcorp Genetics (formerly Invitae), Labcorp
Classification: Uncertain significance. Last evaluated: 2022-08-16. Review status: criteria provided, single submitter. Criteria: Invitae Variant Classification Sherloc (09022015). Collection method: clinical testing. Allele origin: germline.
Comment: This sequence change replaces alanine, which is neutral and non-polar, with threonine, which is neutral and polar, at codon 1012 of the PCLO protein (p.Ala1012Thr). This variant is present in population databases (no rsID available, gnomAD 0.007%). This variant has not been reported in the literature in individuals affected with PCLO-related conditions. ClinVar contains an entry for this variant (Variation ID: 1495633). Algorithms developed to predict the effect of missense changes on protein structure and function are either unavailable or do not agree on the potential impact of this missense change (SIFT: "Tolerated"; PolyPhen-2: "Not Available"; Align-GVGD: "Class C0"). In summary, the available evidence is currently insufficient to determine the role of this variant in disease. Therefore, it has been classified as a Variant of Uncertain Significance.

NM_033026.6(PCLO):c.3034G>A (p.Ala1012Thr)

Gene: PCLO (piccolo presynaptic cytomatrix protein; minus strand). Cytogenetic location: 7q21.11.
Variant type: single nucleotide variant.
Coding change: c.3034G>A on transcript NM_033026.6 (MANE Select); coding-DNA position 3034, G replaced by A.
Protein change: p.Ala1012Thr; replaces alanine 1012 with threonine.
Molecular consequence: missense variant.
Genome position (GRCh38, 1-based): chr7:83,134,516, C>T on the plus strand (G>A on the coding strand, the complement: PCLO is on the minus strand). VCF-style: chr7-83134516-C-T. GRCh37 (hg19) VCF-style: chr7-82763832-C-T.
Other names: c.3034G>A, p.Ala1012Thr (NM_014510.3); short protein forms A1012T.
Identifiers: ClinVar variation 1495633 (VCV001495633.7), dbSNP rs1254062395, ClinGen allele CA367897901.